The following is an entry in ClinVar:

NM_001330588.2(TPP2):c.3268G>A (p.Val1090Ile)

Gene: TPP2 (tripeptidyl peptidase 2; plus strand). Cytogenetic location: 13q33.1.
Variant type: single nucleotide variant.
Coding change: c.3268G>A on transcript NM_001330588.2 (MANE Select); coding-DNA position 3268, G replaced by A.
Protein change: p.Val1090Ile; replaces valine 1090 with isoleucine.
Molecular consequence: missense variant. On other transcripts: non-coding transcript variant (1).
Genome position (GRCh38, 1-based): chr13:102,664,822, G>A. VCF-style: chr13-102664822-G-A. GRCh37 (hg19) VCF-style: chr13-103317172-G-A.
Other names: c.3229G>A, p.Val1077Ile (NM_001367947.1, NM_003291.4); short protein forms V1077I, V1090I.
Identifiers: ClinVar variation 2904180 (VCV002904180.3), dbSNP rs1000870728, ClinGen allele CA255175907.

ClinVar aggregate classification (germline): Uncertain significance (1 of 4 stars; one submission).

Conditions:
Evans syndrome, immunodeficiency, and premature immunosenescence associated with tripeptidyl-peptidase II deficiency. Identifiers: MedGen CN231723. Disease mechanism: loss of function.

Allele frequency attached by ClinVar (database versions not stated): gnomAD exomes below 0.00001; TOPMed below 0.00001.
gnomAD v4.1: 1 of 1,613,210 alleles (0.000062%); highest among the groups gnomAD compares: Non-Finnish European, 0.000085%; no homozygotes.

Submission:

Labcorp Genetics (formerly Invitae), Labcorp
Classification: Uncertain significance for Evans syndrome, immunodeficiency, and premature immunosenescence associated with tripeptidyl-peptidase II deficiency. Last evaluated: 2023-10-04. Review status: criteria provided, single submitter. Criteria: Invitae Variant Classification Sherloc (09022015). Collection method: clinical testing. Allele origin: germline.
Comment: This sequence change replaces valine, which is neutral and non-polar, with isoleucine, which is neutral and non-polar, at codon 1077 of the TPP2 protein (p.Val1077Ile). This variant is not present in population databases (gnomAD no frequency). This variant has not been reported in the literature in individuals affected with TPP2-related conditions. An algorithm developed to predict the effect of missense changes on protein structure and function (PolyPhen-2) suggests that this variant is likely to be tolerated. In summary, the available evidence is currently insufficient to determine the role of this variant in disease. Therefore, it has been classified as a Variant of Uncertain Significance.